The following is an entry in ClinVar:

NM_058216.3(RAD51C):c.1072C>A (p.Gln358Lys)

Gene: RAD51C (RAD51 paralog C; plus strand). Cytogenetic location: 17q22.
Variant type: single nucleotide variant.
Coding change: c.1072C>A on transcript NM_058216.3 (MANE Select); coding-DNA position 1072, C replaced by A.
Protein change: p.Gln358Lys; replaces glutamine 358 with lysine.
Molecular consequence: missense variant. On other transcripts: non-coding transcript variant (1).
Genome position (GRCh38, 1-based): chr17:58,734,163, C>A. VCF-style: chr17-58734163-C-A. GRCh37 (hg19) VCF-style: chr17-56811524-C-A.
Other names: c.*500C>A (NM_058217.1); short protein forms Q358K.
Identifiers: ClinVar variation 2705469 (VCV002705469.3), dbSNP rs2049563238, ClinGen allele CA400366233.

ClinVar aggregate classification (germline): Uncertain significance (1 of 4 stars; one submission).

Conditions:
Fanconi anemia complementation group O. Also called: RAD51C-Related Fanconi Anemia. Identifiers: Orphanet 84, MedGen C3150653, MONDO:0013248, OMIM 613390.

Submission:

Labcorp Genetics (formerly Invitae), Labcorp
Classification: Uncertain significance for Fanconi anemia complementation group O. Last evaluated: 2023-12-25. Review status: criteria provided, single submitter. Criteria: Invitae Variant Classification Sherloc (09022015). Collection method: clinical testing. Allele origin: germline.
Comment: This sequence change replaces glutamine, which is neutral and polar, with lysine, which is basic and polar, at codon 358 of the RAD51C protein (p.Gln358Lys). This variant is not present in population databases (gnomAD no frequency). This variant has not been reported in the literature in individuals affected with RAD51C-related conditions. Algorithms developed to predict the effect of missense changes on protein structure and function output the following: SIFT: "Not Available"; PolyPhen-2: "Benign"; Align-GVGD: "Not Available". The lysine amino acid residue is found in multiple mammalian species, which suggests that this missense change does not adversely affect protein function. In summary, the available evidence is currently insufficient to determine the role of this variant in disease. Therefore, it has been classified as a Variant of Uncertain Significance.